The following is an entry in ClinVar:

ClinVar aggregate classification (germline): Uncertain significance (1 of 4 stars; one submission).

Submission:

Ambry Genetics
Classification: Uncertain significance. Last evaluated: 2023-12-31. Review status: criteria provided, single submitter. Criteria: Ambry Variant Classification Scheme 2023. Collection method: clinical testing. Allele origin: germline.
Comment: The p.V914M variant (also known as c.2740G>A), located in coding exon 4 of the ALPK2 gene, results from a G to A substitution at nucleotide position 2740. The valine at codon 914 is replaced by methionine, an amino acid with highly similar properties. This amino acid position is conserved. In addition, this alteration is predicted to be tolerated by in silico analysis. Since supporting evidence is limited at this time, the clinical significance of this alteration remains unclear.

NM_052947.4(ALPK2):c.2740G>A (p.Val914Met)

Gene: ALPK2 (alpha kinase 2; minus strand). Cytogenetic location: 18q21.31.
Variant type: single nucleotide variant.
Coding change: c.2740G>A on transcript NM_052947.4 (MANE Select); coding-DNA position 2740, G replaced by A.
Protein change: p.Val914Met; replaces valine 914 with methionine.
Molecular consequence: missense variant.
Genome position (GRCh38, 1-based): chr18:58,537,447, C>T on the plus strand (G>A on the coding strand, the complement: ALPK2 is on the minus strand). VCF-style: chr18-58537447-C-T. GRCh37 (hg19) VCF-style: chr18-56204679-C-T.
Other names: short protein forms V914M.
Identifiers: ClinVar variation 3228646 (VCV003228646.1), dbSNP rs2518877305, ClinGen allele CA402569883.